The following is an entry in ClinVar:

NM_031407.7(HUWE1):c.8454_8455insTGT (p.Ala2818_Glu2819insCys)

Gene: HUWE1 (HECT, UBA and WWE domain containing E3 ubiquitin protein ligase 1; minus strand). Cytogenetic location: Xp11.22.
Variant type: Insertion.
Coding change: c.8454_8455insTGT on transcript NM_031407.7 (MANE Select); coding-DNA positions 8454 to 8455, TGT inserted.
Protein change: p.Ala2818_Glu2819insCys.
Molecular consequence: inframe insertion.
Genome position: GRCh38 VCF-style: chrX-53554672-C-CACA. GRCh37 (hg19) VCF-style: chrX-53581633-C-CACA.
Identifiers: ClinVar variation 2660620 (VCV002660620.24), dbSNP rs2523538999, ClinGen allele CA2695200203.

ClinVar aggregate classification (germline): Uncertain significance (1 of 4 stars; one submission).

Submission:

CeGaT Center for Human Genetics Tuebingen
Classification: Uncertain significance. Last evaluated: 2023-03-01. Review status: criteria provided, single submitter. Criteria: CeGaT Center For Human Genetics Tuebingen Variant Classification Criteria Version 2. Collection method: clinical testing. Allele origin: germline. Affected: yes. Observed: 1 variant allele.
Comment: HUWE1: PM2